The following is an entry in ClinVar:

ClinVar aggregate classification (germline): Uncertain significance (1 of 4 stars; one submission).

Conditions:
Hereditary cancer-predisposing syndrome. Also called: Hereditary Cancer Syndrome; Tumor predisposition; Hereditary neoplastic syndrome; Neoplastic Syndromes, Hereditary. Identifiers: Orphanet 140162, MedGen C0027672, MeSH D009386, MONDO:0015356.

Submission:

Ambry Genetics
Classification: Uncertain significance for Hereditary cancer-predisposing syndrome. Last evaluated: 2024-11-06. Review status: criteria provided, single submitter. Criteria: Ambry Variant Classification Scheme 2023. Collection method: clinical testing. Allele origin: germline.
Comment: The p.V1081I variant (also known as c.3241G>A), located in coding exon 14 of the MET gene, results from a G to A substitution at nucleotide position 3241. The valine at codon 1081 is replaced by isoleucine, an amino acid with highly similar properties. This amino acid position is conserved. In addition, this alteration is predicted to be tolerated by in silico analysis. Based on the available evidence, the clinical significance of this variant remains unclear.

NM_000245.4(MET):c.3187G>A (p.Val1063Ile)

Gene: MET (MET proto-oncogene, receptor tyrosine kinase; plus strand). Cytogenetic location: 7q31.2.
Variant type: single nucleotide variant.
Coding change: c.3187G>A on transcript NM_000245.4 (MANE Select); coding-DNA position 3187, G replaced by A.
Protein change: p.Val1063Ile; replaces valine 1063 with isoleucine.
Molecular consequence: missense variant.
Genome position (GRCh38, 1-based): chr7:116,775,039, G>A. VCF-style: chr7-116775039-G-A. GRCh37 (hg19) VCF-style: chr7-116415093-G-A.
Other names: c.3241G>A, p.Val1081Ile (NM_001127500.3); c.1897G>A, p.Val633Ile (NM_001324402.2); short protein forms V1063I, V1081I, V633I.
Identifiers: ClinVar variation 3395191 (VCV003395191.1).